The following is an entry in ClinVar:

ClinVar aggregate classification (germline): Uncertain significance (1 of 4 stars; one submission).

Allele frequency attached by ClinVar (database versions not stated): TOPMed below 0.00001.

Submission:

Labcorp Genetics (formerly Invitae), Labcorp
Classification: Uncertain significance. Last evaluated: 2023-08-16. Review status: criteria provided, single submitter. Criteria: Invitae Variant Classification Sherloc (09022015). Collection method: clinical testing. Allele origin: germline.
Comment: This variant has not been reported in the literature in individuals affected with ROR2-related conditions. Advanced modeling of protein sequence and biophysical properties (such as structural, functional, and spatial information, amino acid conservation, physicochemical variation, residue mobility, and thermodynamic stability) performed at Invitae indicates that this missense variant is expected to disrupt ROR2 protein function. In summary, the available evidence is currently insufficient to determine the role of this variant in disease. Therefore, it has been classified as a Variant of Uncertain Significance. This sequence change replaces glutamine, which is neutral and polar, with histidine, which is basic and polar, at codon 598 of the ROR2 protein (p.Gln598His). This variant is not present in population databases (gnomAD no frequency).

NM_004560.4(ROR2):c.1794G>C (p.Gln598His)

Gene: ROR2 (receptor tyrosine kinase like orphan receptor 2; minus strand). Cytogenetic location: 9q22.31.
Variant type: single nucleotide variant.
Coding change: c.1794G>C on transcript NM_004560.4 (MANE Select); coding-DNA position 1794, G replaced by C.
Protein change: p.Gln598His; replaces glutamine 598 with histidine.
Molecular consequence: missense variant.
Genome position (GRCh38, 1-based): chr9:91,724,700, C>G on the plus strand (G>C on the coding strand, the complement: ROR2 is on the minus strand). VCF-style: chr9-91724700-C-G. GRCh37 (hg19) VCF-style: chr9-94486982-C-G.
Other names: short protein forms Q598H.
Identifiers: ClinVar variation 2992104 (VCV002992104.3), dbSNP rs1836947059, ClinGen allele CA373797466.